The following is an entry in ClinVar:

NM_030665.4(RAI1):c.4775C>T (p.Thr1592Ile)

Gene: RAI1 (retinoic acid induced 1; plus strand). Cytogenetic location: 17p11.2.
Variant type: single nucleotide variant.
Coding change: c.4775C>T on transcript NM_030665.4 (MANE Select); coding-DNA position 4775, C replaced by T.
Protein change: p.Thr1592Ile; replaces threonine 1592 with isoleucine.
Molecular consequence: missense variant.
Genome position (GRCh38, 1-based): chr17:17,797,723, C>T. VCF-style: chr17-17797723-C-T. GRCh37 (hg19) VCF-style: chr17-17701037-C-T.
Other names: short protein forms T1592I.
Identifiers: ClinVar variation 3355336 (VCV003355336.1).

ClinVar aggregate classification (germline): Uncertain significance (0 of 4 stars; one submission).

Conditions:
RAI1-related disorder. Also called: RAI1-related condition.

gnomAD v4.1: 1 of 1,613,752 alleles (0.000062%); highest among the groups gnomAD compares: Admixed American, 0.0017%; no homozygotes.

Submission:

PreventionGenetics, part of Exact Sciences
Classification: Uncertain significance for RAI1-related condition. Last evaluated: 2024-08-14. Review status: no assertion criteria provided. Collection method: clinical testing. Allele origin: germline.
Comment: The RAI1 c.4775C>T variant is predicted to result in the amino acid substitution p.Thr1592Ile. To our knowledge, this variant has not been reported in the literature. This variant is reported in 0.0029% of alleles in individuals of Latino descent in gnomAD. At this time, the clinical significance of this variant is uncertain due to the absence of conclusive functional and genetic evidence.